The following is an entry in ClinVar:

ClinVar aggregate classification (germline): Uncertain significance (1 of 4 stars; one submission).

Conditions:
Inborn genetic diseases. Identifiers: MedGen C0950123, MeSH D030342.

gnomAD v4.1: 2 of 1,613,882 alleles (0.00012%); highest among the groups gnomAD compares: Non-Finnish European, 0.00017%; no homozygotes.

Submission:

Ambry Genetics
Classification: Uncertain significance for Inborn genetic diseases. Last evaluated: 2025-08-20. Review status: criteria provided, single submitter. Criteria: Ambry Variant Classification Scheme 2023. Collection method: clinical testing. Allele origin: germline.
Comment: The p.T620P variant (also known as c.1858A>C), located in coding exon 1 of the SAMD9L gene, results from an A to C substitution at nucleotide position 1858. The threonine at codon 620 is replaced by proline, an amino acid with highly similar properties. This amino acid position is conserved. In addition, this alteration is predicted to be tolerated by in silico analysis. Based on the available evidence, the clinical significance of this variant remains unclear.

NM_152703.5(SAMD9L):c.1858A>C (p.Thr620Pro)

Gene: SAMD9L (sterile alpha motif domain containing 9 like; minus strand). Cytogenetic location: 7q21.2.
Variant type: single nucleotide variant.
Coding change: c.1858A>C on transcript NM_152703.5 (MANE Select); coding-DNA position 1858, A replaced by C.
Protein change: p.Thr620Pro; replaces threonine 620 with proline.
Molecular consequence: missense variant.
Genome position (GRCh38, 1-based): chr7:93,134,114, T>G on the plus strand (A>C on the coding strand, the complement: SAMD9L is on the minus strand). VCF-style: chr7-93134114-T-G. GRCh37 (hg19) VCF-style: chr7-92763427-T-G.
Other names: c.1858A>C, p.Thr620Pro (NM_001303496.3, NM_001303497.3, NM_001303498.3 and 5 more transcripts); short protein forms T620P.
Identifiers: ClinVar variation 4159420 (VCV004159420.1).
Genomic context (GRCh38, chr7:93,134,114, plus strand): 5'-ATCCACGGGCGGGCAAAAACCTTCTTGATGACCGAGTCACCGATTTTAGTTTAAGGATAG[T>G]GCTGTTTACCAGTTCTATATTTAAAGTGGAAATACTGTGGTTTGTTAGTTCATCTTCCAT-3'
Protein context (NP_689916.2, residues 610-630): STLNIELVNS[Thr620Pro]ILKLKSVTRS